The following is an entry in ClinVar:

ClinVar aggregate classification (germline): Uncertain significance. Review status: criteria provided, single submitter (1 of 4 stars). 2 submissions from 2 submitters: Uncertain significance (1). 1 of the submissions does not count toward it. Last evaluated 2025-10-01.

Conditions:
LTBP3-related disorder. Also called: LTBP3-related condition.
Brachyolmia-amelogenesis imperfecta syndrome. Also called: Tooth agenesis, selective, 6; Dental anomalies and short stature; PLATYSPONDYLY WITH AMELOGENESIS IMPERFECTA. Identifiers: Orphanet 2899, MedGen C1832594, MONDO:0011018, OMIM 601216. Disease mechanism: loss of function.

Submissions (2):

Labcorp Genetics (formerly Invitae), Labcorp
Classification: Uncertain significance for Brachyolmia-amelogenesis imperfecta syndrome. Last evaluated: 2025-10-01. Review status: criteria provided, single submitter. Criteria: Invitae Variant Classification Sherloc (09022015). Collection method: clinical testing. Allele origin: germline.
Comment: This sequence change falls in intron 17 of the LTBP3 gene. It does not directly change the encoded amino acid sequence of the LTBP3 protein. This variant is present in population databases (rs766331896, gnomAD 0.1%). This variant has not been reported in the literature in individuals affected with LTBP3-related conditions. ClinVar contains an entry for this variant (Variation ID: 856916). Algorithms developed to predict the effect of sequence changes on RNA splicing suggest that this variant is not likely to affect RNA splicing. In summary, the available evidence is currently insufficient to determine the role of this variant in disease. Therefore, it has been classified as a Variant of Uncertain Significance.

PreventionGenetics, part of Exact Sciences
Classification: Likely benign for LTBP3-related condition. Last evaluated: 2021-07-27. Review status: no assertion criteria provided. Collection method: clinical testing. Allele origin: germline. Not counted in ClinVar's aggregate classification.
Comment: This variant is classified as likely benign based on ACMG/AMP sequence variant interpretation guidelines (Richards et al. 2015 PMID: 25741868, with internal and published modifications).

NM_001130144.3(LTBP3):c.2477-12_2477-3dup

Gene: LTBP3 (latent transforming growth factor beta binding protein 3; minus strand). Cytogenetic location: 11q13.1.
Variant type: Duplication.
Coding change: c.2477-12_2477-3dup on transcript NM_001130144.3 (MANE Select); 12 bases into the intron before coding-DNA position 2477 through 3 bases into the intron before coding-DNA position 2477, 10 bases duplicated (CATCCCCTAC; older notation c.2477-12_2477-3dupCATCCCCTAC).
Molecular consequence: intron variant.
Genome position (GRCh38, 1-based): chr11:65,543,227-65,543,236, GTAGGGGATG duplicated on the plus strand (CATCCCCTAC on the coding strand, the reverse complement: LTBP3 is on the minus strand); duplicating any 10 consecutive bases within chr11:65,543,227-65,543,237 gives the same sequence; the c. name uses the placement nearest the transcript's 3' end. VCF-style (leftmost placement, unchanged base first): chr11-65543226-T-TGTAGGGGATG. GRCh37 (hg19) VCF-style: chr11-65310697-T-TGTAGGGGATG.
Other names: c.2126-12_2126-3dup (NM_001164266.1); c.2477-12_2477-3dup (NM_021070.4); c.2477-12_2477-3dup10 (NM_001130144.2).
Identifiers: ClinVar variation 856916 (VCV000856916.10), dbSNP rs766331896, ClinGen allele CA6100580.